The following is an entry in ClinVar:

ClinVar aggregate classification (germline): Uncertain significance (1 of 4 stars; one submission).

gnomAD v4.1: 1 of 1,551,860 alleles (0.000064%); highest among the groups gnomAD compares: Non-Finnish European, 0.000087%; no homozygotes.

Submission:

GeneDx
Classification: Uncertain significance. Last evaluated: 2024-05-30. Review status: criteria provided, single submitter. Criteria: GeneDx Variant Classification Process June 2021. Collection method: clinical testing. Allele origin: germline. Affected: yes.
Comment: Not observed at significant frequency in large population cohorts (gnomAD); In silico analysis indicates that this missense variant does not alter protein structure/function; Has not been previously published as pathogenic or benign to our knowledge

NM_139318.5(KCNH5):c.2857C>T (p.Pro953Ser)

Gene: KCNH5 (potassium voltage-gated channel subfamily H member 5; minus strand). Cytogenetic location: 14q23.2.
Variant type: single nucleotide variant.
Coding change: c.2857C>T on transcript NM_139318.5 (MANE Select); coding-DNA position 2857, C replaced by T.
Protein change: p.Pro953Ser; replaces proline 953 with serine.
Molecular consequence: missense variant. On other transcripts: 3 prime UTR variant (1).
Genome position (GRCh38, 1-based): chr14:62,707,618, G>A on the plus strand (C>T on the coding strand, the complement: KCNH5 is on the minus strand). VCF-style: chr14-62707618-G-A. GRCh37 (hg19) VCF-style: chr14-63174336-G-A.
Other names: c.*824C>T (NM_172375.3); short protein forms P953S.
Identifiers: ClinVar variation 3383855 (VCV003383855.1).
Genomic context (GRCh38, chr14:62,707,618, plus strand): 5'-CACTAAAAATATCCTGACATGGTATCTGGGGGGGTACTTGGAGTGGCATTTGGGATTTGG[G>A]AGATGAGGCCTGGGGTACGCTTTTTTCCGACAGTATTTTTAAAATTTCTGCCACCTGCTT-3'
Protein context (NP_647479.2, residues 943-963): SEKSVPQASS[Pro953Ser]KSQMPLQVPP